The following is an entry in ClinVar:

NM_024408.4(NOTCH2):c.6284A>G (p.Lys2095Arg)

Gene: NOTCH2 (notch receptor 2; minus strand). Cytogenetic location: 1p12.
Variant type: single nucleotide variant.
Coding change: c.6284A>G on transcript NM_024408.4 (MANE Select); coding-DNA position 6284, A replaced by G.
Protein change: p.Lys2095Arg; replaces lysine 2095 with arginine.
Molecular consequence: missense variant.
Genome position (GRCh38, 1-based): chr1:119,916,438, T>C on the plus strand (A>G on the coding strand, the complement: NOTCH2 is on the minus strand). VCF-style: chr1-119916438-T-C. GRCh37 (hg19) VCF-style: chr1-120459061-T-C.
Other names: short protein forms K2095R.
Identifiers: ClinVar variation 3017717 (VCV003017717.3), dbSNP rs895348606, ClinGen allele CA341879054.

ClinVar aggregate classification (germline): Uncertain significance (1 of 4 stars; one submission).

Conditions:
Hajdu-Cheney syndrome (HJCYS). Also called: ACROOSTEOLYSIS WITH OSTEOPOROSIS AND CHANGES IN SKULL AND MANDIBLE; Acroosteolysis dominant type; SERPENTINE FIBULA-POLYCYSTIC KIDNEY SYNDROME. Identifiers: Orphanet 955, MedGen C0917715, MONDO:0007057, OMIM 102500.

Allele frequency attached by ClinVar (database versions not stated): gnomAD exomes below 0.00001.
gnomAD v4.1: 1 of 1,613,954 alleles (0.000062%); highest among the groups gnomAD compares: East Asian, 0.0022%; no homozygotes.

Submission:

Labcorp Genetics (formerly Invitae), Labcorp
Classification: Uncertain significance for Hajdu-Cheney syndrome. Last evaluated: 2024-06-03. Review status: criteria provided, single submitter. Criteria: Invitae Variant Classification Sherloc (09022015). Collection method: clinical testing. Allele origin: germline.
Comment: This sequence change replaces lysine, which is basic and polar, with arginine, which is basic and polar, at codon 2095 of the NOTCH2 protein (p.Lys2095Arg). This variant is present in population databases (no rsID available, gnomAD 0.006%). This variant has not been reported in the literature in individuals affected with NOTCH2-related conditions. Advanced modeling of protein sequence and biophysical properties (such as structural, functional, and spatial information, amino acid conservation, physicochemical variation, residue mobility, and thermodynamic stability) performed at Invitae indicates that this missense variant is not expected to disrupt NOTCH2 protein function with a negative predictive value of 80%. In summary, the available evidence is currently insufficient to determine the role of this variant in disease. Therefore, it has been classified as a Variant of Uncertain Significance.